The following is an entry in ClinVar:

ClinVar aggregate classification (germline): Uncertain significance (1 of 4 stars; one submission).

Conditions:
Familial cancer of breast. Also called: BREAST CANCER, FAMILIAL; hereditary breast carcinoma; Hereditary breast cancer. Identifiers: Orphanet 227535, MedGen C0346153, MONDO:0016419, OMIM 114480. Disease mechanism: loss of function.

Submission:

Labcorp Genetics (formerly Invitae), Labcorp
Classification: Uncertain significance for Familial cancer of breast. Last evaluated: 2021-04-12. Review status: criteria provided, single submitter. Criteria: Invitae Variant Classification Sherloc (09022015). Collection method: clinical testing. Allele origin: germline.
Comment: This variant is not present in population databases (ExAC no frequency). In summary, the available evidence is currently insufficient to determine the role of this variant in disease. Therefore, it has been classified as a Variant of Uncertain Significance. Algorithms developed to predict the effect of missense changes on protein structure and function output the following: SIFT: "Tolerated"; PolyPhen-2: "Benign"; Align-GVGD: "Class C0". The glycine amino acid residue is found in multiple mammalian species, suggesting that this missense change does not adversely affect protein function. These predictions have not been confirmed by published functional studies and their clinical significance is uncertain. This variant has not been reported in the literature in individuals with PALB2-related conditions. This sequence change replaces glutamic acid with glycine at codon 840 of the PALB2 protein (p.Glu840Gly). The glutamic acid residue is moderately conserved and there is a moderate physicochemical difference between glutamic acid and glycine.

NM_024675.4(PALB2):c.2519A>G (p.Glu840Gly)

Gene: PALB2 (partner and localizer of BRCA2; minus strand). Cytogenetic location: 16p12.2.
Variant type: single nucleotide variant.
Coding change: c.2519A>G on transcript NM_024675.4 (MANE Select); coding-DNA position 2519, A replaced by G.
Protein change: p.Glu840Gly; replaces glutamic acid 840 with glycine.
Molecular consequence: missense variant.
Genome position (GRCh38, 1-based): chr16:23,629,271, T>C on the plus strand (A>G on the coding strand, the complement: PALB2 is on the minus strand). VCF-style: chr16-23629271-T-C. GRCh37 (hg19) VCF-style: chr16-23640592-T-C.
Other names: short protein forms E840G.
Identifiers: ClinVar variation 1525812 (VCV001525812.9), dbSNP rs2142369107, ClinGen allele CA395123864.
Genomic context (GRCh38, chr16:23,629,271, plus strand): 5'-TCTGAAACCAATTGTAGGTTGCCTGGGTTTATGCTATCAGAAGCAGGAAGCTCTGCTGTT[T>C]CAGTCTGTGAAAACAAAAGTCACATCATTAGTCTACACTTTATGTATAATGTCTGCCTGC-3'
Protein context (NP_078951.2, residues 830-850): ELHKHSVEQT[Glu840Gly]TAELPASDSI